The following is an entry in ClinVar:

NM_000426.4(LAMA2):c.6150T>C (p.Asp2050=)

Genes: LAMA2 (laminin subunit alpha 2; plus strand), LOC123864065 (Sharpr-MPRA regulatory region 661; plus strand). Cytogenetic location: 6q22.33.
Variant type: single nucleotide variant.
Coding change: c.6150T>C on transcript NM_000426.4 (MANE Select); coding-DNA position 6150, T replaced by C.
Protein change: p.Asp2050=; no amino-acid change (aspartic acid 2050 retained).
Molecular consequence: synonymous variant.
Genome position (GRCh38, 1-based): chr6:129,440,880, T>C. VCF-style: chr6-129440880-T-C. GRCh37 (hg19) VCF-style: chr6-129762025-T-C.
Other names: p.Asp2050=; c.6150T>C, p.Asp2050= (NM_001079823.2).
Identifiers: ClinVar variation 92974 (VCV000092974.30), dbSNP rs114766691, ClinGen allele CA146145.
Genomic context (GRCh38, chr6:129,440,880, plus strand): 5'-AGCTGCTAAACTGCAAGCTGTTAAGGACAAAGCCAGACAAGCCAACGACACAGCTAAAGA[T>C]GTACTGGCACAGATTACAGAGCTCCACCAGAACCTCGATGGCCTGAAGAAGAATTACAAT-3'
Protein context (NP_000417.3, residues 2040-2060): KARQANDTAK[Asp2050=]VLAQITELHQ

ClinVar aggregate classification (germline): Benign/Likely benign. Review status: criteria provided, multiple submitters, no conflicts (2 of 4 stars). 11 submissions from 11 submitters: Benign (5); Likely benign (6). Last evaluated 2026-07-01.

Conditions:
Merosin deficient congenital muscular dystrophy (MDC1A). Also called: Congenital merosin-deficient muscular dystrophy 1A; Congenital Muscular Dystrophy Type 1A (MDC1A). Identifiers: Orphanet 258, MedGen C1263858, MONDO:0011925, OMIM 607855.
Muscular dystrophy, limb-girdle, autosomal recessive 23. Identifiers: Orphanet 565837, MedGen C4748327, MONDO:0029136, OMIM 618138.
LAMA2-related muscular dystrophy (LAMA2-RD). Also called: Laminin alpha 2-related dystrophy. Identifiers: MedGen C5679788, MONDO:0100228.
Congenital muscular dystrophy due to partial LAMA2 deficiency. Identifiers: MedGen C1842898.

Allele frequency attached by ClinVar (database versions not stated): gnomAD exomes 0.00089; ExAC 0.00114; gnomAD 0.00318 and 0.00339; TOPMed 0.00329; ESP Exome Variant Server 0.00346; 1000 Genomes Project 0.00459; 1000 Genomes Project 30x 0.00468.
gnomAD v4.1: 953 of 1,613,982 alleles (0.059%); highest among the groups gnomAD compares: African/African-American, 1%; 3 homozygotes.

Submissions (11):

CeGaT Center for Human Genetics Tuebingen
Classification: Likely benign. Last evaluated: 2026-07-01. Review status: criteria provided, single submitter. Criteria: CeGaT Center For Human Genetics Tuebingen Variant Classification Criteria Version 2. Collection method: clinical testing. Allele origin: germline. Affected: yes. Observed: 1 variant allele.
Comment: LAMA2: BP4, BP7, BS1

Labcorp Genetics (formerly Invitae), Labcorp
Classification: Benign for LAMA2-related muscular dystrophy. Last evaluated: 2026-01-26. Review status: criteria provided, single submitter. Criteria: Invitae Variant Classification Sherloc (09022015). Collection method: clinical testing. Allele origin: germline.

Mayo Clinic Laboratories, Mayo Clinic
Classification: Benign. Last evaluated: 2025-03-11. Review status: criteria provided, single submitter. Criteria: ACMG Guidelines, 2015. Collection method: clinical testing. Allele origin: germline. Observed: 8 variant alleles.
Comment: BS1, BS2, BP4, BP7

Blueprint Genetics
Classification: Likely benign. Last evaluated: 2024-11-01. Review status: criteria provided, single submitter. Criteria: ACMG Guidelines, 2015. Collection method: clinical testing. Allele origin: germline.

Fulgent Genetics
Classification: Likely benign for Merosin deficient congenital muscular dystrophy; Muscular dystrophy, limb-girdle, autosomal recessive 23. Last evaluated: 2021-11-05. Review status: criteria provided, single submitter. Criteria: ACMG Guidelines, 2015. Collection method: clinical testing. Allele origin: unknown.

GeneDx
Classification: Benign. Last evaluated: 2019-08-19. Review status: criteria provided, single submitter. Criteria: GeneDx Variant Classification Process June 2021. Collection method: clinical testing. Allele origin: germline. Affected: yes.

Illumina Laboratory Services, Illumina
Classification: Likely benign for Congenital muscular dystrophy due to partial LAMA2 deficiency. Last evaluated: 2018-01-13. Review status: criteria provided, single submitter. Criteria: ICSL Variant Classification Criteria 13 December 2019. Collection method: clinical testing. Allele origin: germline.
Comment: This variant was observed in the ICSL laboratory as part of a predisposition screen in an ostensibly healthy population. It had not been previously curated by ICSL or reported in the Human Gene Mutation Database (HGMD: prior to June 1st, 2018), and was therefore a candidate for classification through an automated scoring system. Utilizing variant allele frequency, disease prevalence and penetrance estimates, and inheritance mode, an automated score was calculated to assess if this variant is too frequent to cause the disease. Based on the score and internal cut-off values, a variant classified as likely benign is not then subjected to further curation. The score for this variant resulted in a classification of likely benign for this disease.

Athena Diagnostics
Classification: Benign. Last evaluated: 2017-06-21. Review status: criteria provided, single submitter. Criteria: Athena Diagnostics Criteria. Collection method: clinical testing. Allele origin: germline.

Eurofins Ntd Llc (ga)
Classification: Benign. Last evaluated: 2013-03-14. Review status: criteria provided, single submitter. Criteria: EGL Classification Definitions 2015. Collection method: clinical testing. Allele origin: germline. Observed: 1 variant allele, 1 heterozygote.

Breakthrough Genomics
Classification: Likely benign. Review status: criteria provided, single submitter. Criteria: ACMG Guidelines, 2015. Collection method: not provided. Allele origin: germline. Inheritance: Autosomal recessive inheritance. Affected: yes.

PreventionGenetics, part of Exact Sciences
Classification: Likely benign. Review status: criteria provided, single submitter. Criteria: ACMG Guidelines, 2015. Collection method: clinical testing. Allele origin: germline.